The following is an entry in ClinVar:

NM_000083.3(CLCN1):c.987C>T (p.Ile329=)

Gene: CLCN1 (chloride voltage-gated channel 1; plus strand). Cytogenetic location: 7q34.
Variant type: single nucleotide variant.
Coding change: c.987C>T on transcript NM_000083.3 (MANE Select); coding-DNA position 987, C replaced by T.
Protein change: p.Ile329=; no amino-acid change (isoleucine 329 retained).
Molecular consequence: synonymous variant. On other transcripts: non-coding transcript variant (1).
Genome position (GRCh38, 1-based): chr7:143,331,239, C>T. VCF-style: chr7-143331239-C-T. GRCh37 (hg19) VCF-style: chr7-143028332-C-T.
Other names: p.Ile329=.
Identifiers: ClinVar variation 701892 (VCV000701892.10), dbSNP rs140664749, ClinGen allele CA4537203.

ClinVar aggregate classification (germline): Likely benign. Review status: criteria provided, multiple submitters, no conflicts (2 of 4 stars). 2 submissions from 2 submitters: Likely benign (2). Last evaluated 2026-01-19.

Conditions:
Congenital myotonia, autosomal dominant form (THD). Also called: THOMSEN DISEASE; Myotonia congenita autosomal dominant. Identifiers: Orphanet 614, MedGen C2936781, MONDO:0008055, OMIM 160800.
Congenital myotonia, autosomal recessive form. Also called: BECKER DISEASE; Becker Generalized Myotonia; myotonia congenita, autosomal recessive. Identifiers: Orphanet 614, MedGen C0751360, MONDO:0009715, OMIM 255700.

Allele frequency attached by ClinVar (database versions not stated): gnomAD 0.00008; TOPMed 0.00008; gnomAD exomes 0.00010 and 0.00018; ExAC 0.00017; ESP Exome Variant Server 0.00031.
gnomAD v4.1: 162 of 1,610,074 alleles (0.01%); highest among the groups gnomAD compares: Middle Eastern, 0.13%; no homozygotes.

Submissions (2):

Labcorp Genetics (formerly Invitae), Labcorp
Classification: Likely benign for Congenital myotonia, autosomal recessive form; Congenital myotonia, autosomal dominant form. Last evaluated: 2026-01-19. Review status: criteria provided, single submitter. Criteria: Invitae Variant Classification Sherloc (09022015). Collection method: clinical testing. Allele origin: germline.

Mayo Clinic Laboratories, Mayo Clinic
Classification: Likely benign. Last evaluated: 2025-02-14. Review status: criteria provided, single submitter. Criteria: ACMG Guidelines, 2015. Collection method: clinical testing. Allele origin: germline. Observed: 1 variant allele.
Comment: BP4, BP7